The following is an entry in ClinVar:

NM_001042492.3(NF1):c.5436C>T (p.Phe1812=)

Gene: NF1 (neurofibromin 1; plus strand). Cytogenetic location: 17q11.2.
Variant type: single nucleotide variant.
Coding change: c.5436C>T on transcript NM_001042492.3 (MANE Select); coding-DNA position 5436, C replaced by T.
Protein change: p.Phe1812=; no amino-acid change (phenylalanine 1812 retained).
Molecular consequence: synonymous variant.
Genome position (GRCh38, 1-based): chr17:31,327,666, C>T. VCF-style: chr17-31327666-C-T. GRCh37 (hg19) VCF-style: chr17-29654684-C-T.
Other names: c.5373C>T, p.Phe1791= (NM_000267.4).
Identifiers: ClinVar variation 220720 (VCV000220720.15), dbSNP rs864622640, ClinGen allele CA350180.
Genomic context (GRCh38, chr17:31,327,666, plus strand): 5'-CCTAGTAGATGAGAACCAGTTCACCTTAACCATTGCAAACCAGGGCACGCCGCTCACCTT[C>T]ATGCACCAGGAGTGTGAAGCCATTGTCCAGTCTATCATTCATATCCGGACCCGCTGGGAA-3'
Protein context (NP_001035957.1, residues 1802-1822): TIANQGTPLT[Phe1812=]MHQECEAIVQ

ClinVar aggregate classification (germline): Conflicting classifications of pathogenicity. Review status: criteria provided, conflicting classifications (1 of 4 stars). 5 submissions from 5 submitters: Uncertain significance (1); Benign (1); Likely benign (3). Last evaluated 2026-05-20.

Conditions:
Hereditary cancer-predisposing syndrome. Also called: Tumor predisposition; Hereditary neoplastic syndrome; Neoplastic Syndromes, Hereditary; Hereditary Cancer Syndrome. Identifiers: Orphanet 140162, MedGen C0027672, MeSH D009386, MONDO:0015356.
Neurofibromatosis, type 1 (NF1). Also called: Neurofibromatosis, type I; NEUROFIBROMATOSIS, TYPE I, SOMATIC; VON RECKLINGHAUSEN DISEASE; Peripheral type neurofibromatosis. Identifiers: Orphanet 636, MedGen C0027831, MONDO:0018975, OMIM 162200. Disease mechanism: loss of function.

Allele frequency attached by ClinVar (database versions not stated): gnomAD 0.00001; TOPMed below 0.00001.
gnomAD v4.1: 2 of 1,614,078 alleles (0.00012%); highest among the groups gnomAD compares: Non-Finnish European, 0.00017%; no homozygotes.

Submissions (5):

Myriad Genetics, Inc.
Classification: Benign for Neurofibromatosis, type 1. Last evaluated: 2026-05-20. Review status: criteria provided, single submitter. Criteria: Myriad Autosomal Dominant, Autosomal Recessive and X-Linked Classification Criteria (2023). Collection method: clinical testing. Allele origin: unknown.
Comment: This variant is considered benign. This variant is a silent/synonymous amino acid change and it is not expected to impact splicing.

Labcorp Genetics (formerly Invitae), Labcorp
Classification: Likely benign for Neurofibromatosis, type 1. Last evaluated: 2025-07-14. Review status: criteria provided, single submitter. Criteria: Invitae Variant Classification Sherloc (09022015). Collection method: clinical testing. Allele origin: germline.

GeneDx
Classification: Uncertain significance. Last evaluated: 2022-03-29. Review status: criteria provided, single submitter. Criteria: GeneDx Variant Classification Process June 2021. Collection method: clinical testing. Allele origin: germline. Affected: yes.
Comment: Not observed at significant frequency in large population cohorts (gnomAD); In silico analysis supports that this variant does not alter splicing; Has not been previously published as pathogenic or benign to our knowledge

Genome-Nilou Lab
Classification: Likely benign for Neurofibromatosis, type 1. Last evaluated: 2022-03-15. Review status: criteria provided, single submitter. Criteria: ACMG Guidelines, 2015. Collection method: clinical testing. Allele origin: germline. Affected: no.

Ambry Genetics
Classification: Likely benign for Hereditary cancer-predisposing syndrome. Last evaluated: 2015-07-10. Review status: criteria provided, single submitter. Criteria: Ambry Autosomal Dominant and X-Linked criteria (10/2015). Collection method: clinical testing. Allele origin: germline. Observed: 1 variant allele.